The following is an entry in ClinVar:

NM_005159.4(ACTC1):c.*737C>T

Genes: GJD2-DT (GJD2 divergent transcript; plus strand), ACTC1 (actin alpha cardiac muscle 1; minus strand). Cytogenetic location: 15q14.
Variant type: single nucleotide variant.
Coding change: c.*737C>T on transcript NM_005159.4; 737 bases downstream of the stop codon, C replaced by T.
Genome position (GRCh38, 1-based): chr15:34,789,675, G>A on the plus strand (C>T on the coding strand, the complement: ACTC1 is on the minus strand). VCF-style: chr15-34789675-G-A. GRCh37 (hg19) VCF-style: chr15-35081876-G-A.
Identifiers: ClinVar variation 315682 (VCV000315682.34), dbSNP rs868013105, ClinGen allele CA10646857.

ClinVar aggregate classification (germline): Conflicting classifications of pathogenicity. Review status: criteria provided, conflicting classifications (1 of 4 stars). 3 submissions from 2 submitters: Uncertain significance (2); Benign (1). Last evaluated 2023-03-01.

Conditions:
Hypertrophic cardiomyopathy 11. Also called: ACTC1-Related Familial Hypertrophic Cardiomyopathy. Identifiers: MedGen C2677506, MONDO:0012799, OMIM 612098.
Dilated cardiomyopathy 1R (CMD1R). Identifiers: Orphanet 154, Orphanet 54260, MedGen C3150681, MONDO:0013261, OMIM 613424.

Allele frequency attached by ClinVar (database versions not stated): gnomAD 0.00017 and 0.00016; TOPMed 0.00012.

Submissions (3):

CeGaT Center for Human Genetics Tuebingen
Classification: Benign. Last evaluated: 2023-03-01. Review status: criteria provided, single submitter. Criteria: CeGaT Center For Human Genetics Tuebingen Variant Classification Criteria Version 2. Collection method: clinical testing. Allele origin: germline. Affected: yes. Observed: 2 variant alleles.
Comment: ACTC1: BS1, BS2

Illumina Laboratory Services, Illumina
Classification: Uncertain significance for Hypertrophic cardiomyopathy 11. Last evaluated: 2018-01-13. Review status: criteria provided, single submitter. Criteria: ICSL Variant Classification Criteria 13 December 2019. Collection method: clinical testing. Allele origin: germline.

Illumina Laboratory Services, Illumina
Classification: Uncertain significance for Dilated cardiomyopathy 1R. Last evaluated: 2018-01-13. Review status: criteria provided, single submitter. Criteria: ICSL Variant Classification Criteria 13 December 2019. Collection method: clinical testing. Allele origin: germline.